The following is an entry in ClinVar:

NM_001267550.2(TTN):c.17301C>T (p.Ser5767=)

Genes: TTN (titin; minus strand), LOC126806431 (CDK7 strongly-dependent group 2 enhancer GRCh37_chr2:179595719-179596918; plus strand). Cytogenetic location: 2q31.2.
Variant type: single nucleotide variant.
Coding change: c.17301C>T on transcript NM_001267550.2 (MANE Select); coding-DNA position 17301, C replaced by T.
Protein change: p.Ser5767=; no amino-acid change (serine 5767 retained).
Molecular consequence: synonymous variant. On other transcripts: intron variant (3).
Genome position (GRCh38, 1-based): chr2:178,731,465, G>A on the plus strand (C>T on the coding strand, the complement: TTN is on the minus strand). VCF-style: chr2-178731465-G-A. GRCh37 (hg19) VCF-style: chr2-179596192-G-A.
Other names: c.16350C>T, p.Ser5450= (NM_001256850.1); c.13569C>T, p.Ser4523= (NM_133378.4); c.13282+6617C>T (NM_003319.4); c.13858+6617C>T (NM_133437.4); c.13657+6617C>T (NM_133432.3).
Identifiers: ClinVar variation 466849 (VCV000466849.42), dbSNP rs777677229, ClinGen allele CA2001863.
Genomic context (GRCh38, chr2:178,731,465, plus strand): 5'-CAAACTGGCCACATTGTTCTCAAAGGTCATTCTTATATTATCGTCTTCAGTGATTTCATC[G>A]CTGTCTTTTAGCCAAGTCACCGTAATTGGCAAGGAGCCCTTCAGAGTGGCCTGGAAGGCA-3'
Protein context (NP_001254479.2, residues 5757-5777): LPITVTWLKD[Ser5767=]DEITEDDNIR

ClinVar aggregate classification (germline): Likely benign. Review status: criteria provided, multiple submitters, no conflicts (2 of 4 stars). 4 submissions from 4 submitters: Likely benign (4). Last evaluated 2026-03-31.

Conditions:
TTN-related disorder. Also called: TTN-related disorders; TTN-related condition; TTN-related disease.
Dilated cardiomyopathy 1G (CMD1G). Identifiers: Orphanet 154, MedGen C1858763, MONDO:0011400, OMIM 604145.
Autosomal recessive limb-girdle muscular dystrophy type 2J (LGMDR10). Also called: Limb-girdle muscular dystrophy, type 2J; MUSCULAR DYSTROPHY, LIMB-GIRDLE, AUTOSOMAL RECESSIVE 10. Identifiers: Orphanet 140922, MedGen C1837342, MONDO:0012127, OMIM 608807.

Allele frequency attached by ClinVar (database versions not stated): gnomAD 0.00001; TOPMed 0.00002; ExAC 0.00007; gnomAD exomes 0.00007 and 0.00008.
gnomAD v4.1: 124 of 1,613,494 alleles (0.0077%); highest among the groups gnomAD compares: South Asian, 0.032%; no homozygotes.

Submissions (4):

PreventionGenetics, part of Exact Sciences
Classification: Likely benign for TTN-related condition. Last evaluated: 2026-03-31. Review status: criteria provided, single submitter. Criteria: ACMG Guidelines, 2015. Collection method: clinical testing. Allele origin: germline.
Comment: This variant is classified as likely benign based on ACMG/AMP sequence variant interpretation guidelines (Richards et al. 2015 PMID: 25741868, with internal and published modifications).

Labcorp Genetics (formerly Invitae), Labcorp
Classification: Likely benign for Dilated cardiomyopathy 1G; Autosomal recessive limb-girdle muscular dystrophy type 2J. Last evaluated: 2025-10-15. Review status: criteria provided, single submitter. Criteria: Invitae Variant Classification Sherloc (09022015). Collection method: clinical testing. Allele origin: germline.

Blueprint Genetics
Classification: Likely benign. Last evaluated: 2023-10-19. Review status: criteria provided, single submitter. Criteria: ACMG Guidelines, 2015. Collection method: clinical testing. Allele origin: germline.

CeGaT Center for Human Genetics Tuebingen
Classification: Likely benign. Last evaluated: 2023-01-01. Review status: criteria provided, single submitter. Criteria: CeGaT Center For Human Genetics Tuebingen Variant Classification Criteria Version 2. Collection method: clinical testing. Allele origin: germline. Affected: yes. Observed: 1 variant allele.
Comment: TTN: BP4, BP7